The following is an entry in ClinVar:

ClinVar aggregate classification (germline): Uncertain significance. Review status: criteria provided, multiple submitters, no conflicts (2 of 4 stars). 2 submissions from 2 submitters: Uncertain significance (2). Last evaluated 2025-12-29.

Conditions:
Ataxia-telangiectasia syndrome (AT). Also called: Ataxia telangiectasia (A-T); LOUIS-BAR SYNDROME; Cerebello-oculocutaneous telangiectasia; Immunodeficiency with ataxia telangiectasia; Ataxia-telangiectasia, complementation group E; Ataxia-telangiectasia. Identifiers: Orphanet 100, MedGen C0004135, MONDO:0008840, OMIM 208900.

Submissions (2):

Center for Genomic Medicine, Rigshospitalet, Copenhagen University Hospital
Classification: Uncertain significance. Last evaluated: 2025-12-29. Review status: criteria provided, single submitter. Criteria: ACMG Guidelines, 2015. Collection method: clinical testing. Allele origin: germline.
Comment: Classification criteria: BP4, PM2_supporting

Labcorp Genetics (formerly Invitae), Labcorp
Classification: Uncertain significance for Ataxia-telangiectasia syndrome. Last evaluated: 2024-04-13. Review status: criteria provided, single submitter. Criteria: Invitae Variant Classification Sherloc (09022015). Collection method: clinical testing. Allele origin: germline.
Comment: This sequence change replaces glutamic acid, which is acidic and polar, with lysine, which is basic and polar, at codon 28 of the ATM protein (p.Glu28Lys). This variant is not present in population databases (gnomAD no frequency). This variant has not been reported in the literature in individuals affected with ATM-related conditions. Advanced modeling of protein sequence and biophysical properties (such as structural, functional, and spatial information, amino acid conservation, physicochemical variation, residue mobility, and thermodynamic stability) performed at Invitae indicates that this missense variant is not expected to disrupt ATM protein function with a negative predictive value of 95%. In summary, the available evidence is currently insufficient to determine the role of this variant in disease. Therefore, it has been classified as a Variant of Uncertain Significance.

NM_000051.4(ATM):c.82G>A (p.Glu28Lys)

Gene: ATM (ATM serine/threonine kinase; plus strand). Cytogenetic location: 11q22.3.
Variant type: single nucleotide variant.
Coding change: c.82G>A on transcript NM_000051.4 (MANE Select); coding-DNA position 82, G replaced by A.
Protein change: p.Glu28Lys; replaces glutamic acid 28 with lysine.
Molecular consequence: missense variant.
Genome position (GRCh38, 1-based): chr11:108,227,785, G>A. VCF-style: chr11-108227785-G-A. GRCh37 (hg19) VCF-style: chr11-108098512-G-A.
Other names: c.82G>A, p.Glu28Lys (NM_001351834.2, NM_001351835.2, NM_001351836.2); short protein forms E28K.
Identifiers: ClinVar variation 3685570 (VCV003685570.3).
Genomic context (GRCh38, chr11:108,227,785, plus strand): 5'-CTTGAAATAAGTGTGATTAGTAACCCATTATTATTTCCTTTTTATTTTCAGAAAGAAGTT[G>A]AGAAATTTAAGCGCCTGATTCGAGATCCTGAAACAATTAAACATCTAGATCGGCATTCAG-3'
Protein context (NP_000042.3, residues 18-38): DRATERKKEV[Glu28Lys]KFKRLIRDPE